The following is an entry in ClinVar:

NC_000002.11:g.(?_211457583)_(211457700_?)del

Gene: CPS1 (carbamoyl-phosphate synthase 1; plus strand). Cytogenetic location: 2q34.
Variant type: Deletion.
Identifiers: ClinVar variation 3247427 (VCV003247427.1).

ClinVar aggregate classification (germline): Pathogenic (1 of 4 stars; one submission).

Conditions:
Congenital hyperammonemia, type I. Also called: Carbamoyl phosphate synthetase 1 deficiency; Hyperammonemia due to carbamoyl phosphate synthetase 1 deficiency; CPS 1 deficiency; Carbamyl phosphate synthetase (CPS) deficiency; CPS I DEFICIENCY; Carbamoyl phosphate synthetase I deficiency disease. Identifiers: Orphanet 147, MedGen C4082171, MONDO:0009376, OMIM 237300.

Submission:

Labcorp Genetics (formerly Invitae), Labcorp
Classification: Pathogenic for Congenital hyperammonemia, type I. Last evaluated: 2023-09-08. Review status: criteria provided, single submitter. Criteria: Invitae Variant Classification Sherloc (09022015). Collection method: clinical testing. Allele origin: unknown.
Comment: This variant is a gross deletion of the genomic region encompassing exon(s) 11 of the CPS1 gene. This variant would be expected to be in-frame, preserving the integrity of the reading frame. This variant has not been reported in the literature in individuals affected with CPS1-related conditions. This variant disrupts a region of the CPS1 protein in which other variant(s) (p.Pro382Leu) have been determined to be pathogenic (PMID: 21120950, 22173106, 31749211, 34298581). This suggests that this is a clinically significant region of the protein, and that variants that disrupt it are likely to be disease-causing. For these reasons, this variant has been classified as Pathogenic.

Literature cited by the submitters: PubMed 21120950; PubMed 22173106; PubMed 31749211; PubMed 34298581.